The following is an entry in ClinVar:

ClinVar aggregate classification (germline): Uncertain significance (1 of 4 stars; one submission).

Conditions:
Neuroblastoma, susceptibility to, 3. Also called: ALK-Related Neuroblastic Tumor Susceptibility. Identifiers: Orphanet 635, MedGen C2751681, MONDO:0013083, OMIM 613014.

Submission:

Labcorp Genetics (formerly Invitae), Labcorp
Classification: Uncertain significance for Neuroblastoma, susceptibility to, 3. Last evaluated: 2023-08-10. Review status: criteria provided, single submitter. Criteria: Invitae Variant Classification Sherloc (09022015). Collection method: clinical testing. Allele origin: germline.
Comment: In summary, the available evidence is currently insufficient to determine the role of this variant in disease. Therefore, it has been classified as a Variant of Uncertain Significance. Algorithms developed to predict the effect of sequence changes on RNA splicing suggest that this variant may create or strengthen a splice site. An algorithm developed to predict the effect of missense changes on protein structure and function (PolyPhen-2) suggests that this variant is likely to be tolerated. This variant has not been reported in the literature in individuals affected with ALK-related conditions. This variant is not present in population databases (gnomAD no frequency). This sequence change replaces valine, which is neutral and non-polar, with phenylalanine, which is neutral and non-polar, at codon 1426 of the ALK protein (p.Val1426Phe).

NM_004304.5(ALK):c.4276G>T (p.Val1426Phe)

Gene: ALK (ALK receptor tyrosine kinase; minus strand). Cytogenetic location: 2p23.2.
Variant type: single nucleotide variant.
Coding change: c.4276G>T on transcript NM_004304.5 (MANE Select); coding-DNA position 4276, G replaced by T.
Protein change: p.Val1426Phe; replaces valine 1426 with phenylalanine.
Molecular consequence: missense variant.
Genome position (GRCh38, 1-based): chr2:29,193,811, C>A on the plus strand (G>T on the coding strand, the complement: ALK is on the minus strand). VCF-style: chr2-29193811-C-A. GRCh37 (hg19) VCF-style: chr2-29416677-C-A.
Other names: c.1072G>T, p.Val358Phe (NM_001353765.2); short protein forms V358F, V1426F.
Identifiers: ClinVar variation 1357873 (VCV001357873.8), dbSNP rs1558604058, ClinGen allele CA346462852.